The following is an entry in ClinVar:

NM_001048174.2(MUTYH):c.1325C>A (p.Pro442Gln)

Gene: MUTYH (mutY DNA glycosylase; minus strand). Cytogenetic location: 1p34.1.
Variant type: single nucleotide variant.
Coding change: c.1325C>A on transcript NM_001048174.2 (MANE Select); coding-DNA position 1325, C replaced by A.
Protein change: p.Pro442Gln; replaces proline 442 with glutamine.
Molecular consequence: missense variant. On other transcripts: non-coding transcript variant (7).
Genome position (GRCh38, 1-based): chr1:45,331,249, G>T on the plus strand (C>A on the coding strand, the complement: MUTYH is on the minus strand). VCF-style: chr1-45331249-G-T. GRCh37 (hg19) VCF-style: chr1-45796921-G-T.
Other names: c.1325C>A, p.Pro442Gln (NM_001048171.2, NM_001048173.2, NM_001293195.2 and 6 more transcripts); c.1328C>A, p.Pro443Gln (NM_001048172.2, NM_001407071.1, NM_001407086.1 and 1 more transcripts); c.1409C>A, p.Pro470Gln (NM_001128425.2); c.1370C>A, p.Pro457Gln (NM_001293190.2); c.1358C>A, p.Pro453Gln (NM_001293191.2, NM_001407069.1, NM_001407077.1); c.1049C>A, p.Pro350Gln (NM_001293192.2, NM_001293196.2, NM_001407091.1); c.980C>A, p.Pro327Gln (NM_001350650.2, NM_001350651.2, NM_001407082.1); c.1346C>A, p.Pro449Gln (NM_001407087.1); and 5 more; short protein forms P428Q, P443Q, P456Q, P457Q, P467Q, P470Q, P350Q, P429Q.
Identifiers: ClinVar variation 4113225 (VCV004113225.1).

ClinVar aggregate classification (germline): Uncertain significance (1 of 4 stars; one submission).

Conditions:
Hereditary cancer-predisposing syndrome. Also called: Tumor predisposition; Neoplastic Syndromes, Hereditary; Hereditary neoplastic syndrome; Hereditary Cancer Syndrome. Identifiers: Orphanet 140162, MedGen C0027672, MeSH D009386, MONDO:0015356.

Submission:

Ambry Genetics
Classification: Uncertain significance for Hereditary cancer-predisposing syndrome. Last evaluated: 2025-08-27. Review status: criteria provided, single submitter. Criteria: Ambry Variant Classification Scheme 2023. Collection method: clinical testing. Allele origin: germline.
Comment: The p.P470Q variant (also known as c.1409C>A), located in coding exon 14 of the MUTYH gene, results from a C to A substitution at nucleotide position 1409. The proline at codon 470 is replaced by glutamine, an amino acid with similar properties. This amino acid position is conserved. In addition, the in silico prediction for this alteration is inconclusive. Based on the available evidence, the clinical significance of this variant remains unclear.